The following is an entry in ClinVar:

NM_000542.5(SFTPB):c.472G>C (p.Asp158His)

Gene: SFTPB (surfactant protein B; minus strand). Cytogenetic location: 2p11.2.
Variant type: single nucleotide variant.
Coding change: c.472G>C on transcript NM_000542.5 (MANE Select); coding-DNA position 472, G replaced by C.
Protein change: p.Asp158His; replaces aspartic acid 158 with histidine.
Molecular consequence: missense variant.
Genome position (GRCh38, 1-based): chr2:85,665,716, C>G on the plus strand (G>C on the coding strand, the complement: SFTPB is on the minus strand). VCF-style: chr2-85665716-C-G. GRCh37 (hg19) VCF-style: chr2-85892839-C-G.
Other names: c.472G>C, p.Asp158His (NM_198843.4, NM_001367281.2); short protein forms D158H.
Identifiers: ClinVar variation 1957119 (VCV001957119.7), dbSNP rs778541429, ClinGen allele CA1744030.

ClinVar aggregate classification (germline): Uncertain significance. Review status: criteria provided, multiple submitters, no conflicts (2 of 4 stars). 2 submissions from 2 submitters: Uncertain significance (2). Last evaluated 2024-10-13.

Conditions:
Hereditary pulmonary alveolar proteinosis. Also called: Pulmonary surfactant metabolism dysfunction. Identifiers: Orphanet 264675, MedGen C3711368, MONDO:0012580.

Allele frequency attached by ClinVar (database versions not stated): ExAC 0.00002; gnomAD 0.00003; TOPMed 0.00004; gnomAD exomes 0.00008.
gnomAD v4.1: 123 of 1,614,112 alleles (0.0076%); highest among the groups gnomAD compares: Middle Eastern, 0.016%; no homozygotes.

Submissions (2):

Labcorp Genetics (formerly Invitae), Labcorp
Classification: Uncertain significance. Last evaluated: 2024-10-13. Review status: criteria provided, single submitter. Criteria: Invitae Variant Classification Sherloc (09022015). Collection method: clinical testing. Allele origin: germline.
Comment: This sequence change replaces aspartic acid, which is acidic and polar, with histidine, which is basic and polar, at codon 170 of the SFTPB protein (p.Asp170His). This variant is present in population databases (rs778541429, gnomAD 0.004%). This variant has not been reported in the literature in individuals affected with SFTPB-related conditions. ClinVar contains an entry for this variant (Variation ID: 1957119). An algorithm developed to predict the effect of missense changes on protein structure and function (PolyPhen-2) suggests that this variant is likely to be disruptive. In summary, the available evidence is currently insufficient to determine the role of this variant in disease. Therefore, it has been classified as a Variant of Uncertain Significance.

Ambry Genetics
Classification: Uncertain significance for Hereditary pulmonary alveolar proteinosis. Last evaluated: 2023-06-01. Review status: criteria provided, single submitter. Criteria: Ambry Variant Classification Scheme 2023. Collection method: clinical testing. Allele origin: germline.